The following is an entry in ClinVar:

NM_000632.4(ITGAM):c.394C>T (p.Gln132Ter)

Genes: ITGAM (integrin subunit alpha M; plus strand), LOC126862331 (P300/CBP strongly-dependent group 1 enhancer GRCh37_chr16:31276375-31277574; plus strand). Cytogenetic location: 16p11.2.
Variant type: single nucleotide variant.
Coding change: c.394C>T on transcript NM_000632.4 (MANE Select); coding-DNA position 394, C replaced by T.
Protein change: p.Gln132Ter; replaces glutamine 132 with a stop codon.
Molecular consequence: nonsense.
Genome position (GRCh38, 1-based): chr16:31,266,114, C>T. VCF-style: chr16-31266114-C-T. GRCh37 (hg19) VCF-style: chr16-31277435-C-T.
Other names: c.394C>T, p.Gln132Ter (NM_001145808.2); short protein forms Q132*.
Identifiers: ClinVar variation 1362472 (VCV001362472.6), dbSNP rs2144262243, ClinGen allele CA395685198.

ClinVar aggregate classification (germline): Uncertain significance (1 of 4 stars; one submission).

Allele frequency attached by ClinVar (database versions not stated): gnomAD exomes 0.00001.
gnomAD v4.1: 9 of 1,613,854 alleles (0.00056%); highest among the groups gnomAD compares: Non-Finnish European, 0.00076%; no homozygotes.

Submission:

Labcorp Genetics (formerly Invitae), Labcorp
Classification: Uncertain significance. Last evaluated: 2022-05-25. Review status: criteria provided, single submitter. Criteria: Invitae Variant Classification Sherloc (09022015). Collection method: clinical testing. Allele origin: germline.
Comment: In summary, the available evidence is currently insufficient to determine the role of this variant in disease. Therefore, it has been classified as a Variant of Uncertain Significance. Algorithms developed to predict the effect of sequence changes on RNA splicing suggest that this variant may create or strengthen a splice site. This variant has not been reported in the literature in individuals affected with ITGAM-related conditions. This variant is not present in population databases (gnomAD no frequency). This sequence change creates a premature translational stop signal (p.Gln132*) in the ITGAM gene. It is expected to result in an absent or disrupted protein product. However, the current clinical and genetic evidence is not sufficient to establish whether loss-of-function variants in ITGAM cause disease.